The following is an entry in ClinVar:

ClinVar aggregate classification (germline): Uncertain significance (1 of 4 stars; one submission).

Conditions:
Familial adenomatous polyposis 2. Also called: MYH-associated polyposis; Adenomas, multiple colorectal; COLORECTAL ADENOMATOUS POLYPOSIS, AUTOSOMAL RECESSIVE; ADENOMAS, MULTIPLE COLORECTAL, AUTOSOMAL RECESSIVE; FAP type 2; MUTYH Polyposis. Identifiers: Orphanet 220460, Orphanet 247798, MedGen C3272841, MONDO:0012041, OMIM 608456.

Submission:

Labcorp Genetics (formerly Invitae), Labcorp
Classification: Uncertain significance for Familial adenomatous polyposis 2. Last evaluated: 2023-11-13. Review status: criteria provided, single submitter. Criteria: Invitae Variant Classification Sherloc (09022015). Collection method: clinical testing. Allele origin: germline.
Comment: This variant results in a copy number gain of the genomic region encompassing exon(s) 6-16 of the MUTYH gene. This region includes the termination codon of the gene. This copy number gain extends beyond the assayed region for this gene and therefore may encompass additional genes. As the precise location of this event is unknown, it may be in tandem or it may be located elsewhere in the genome. This variant has not been reported in the literature in individuals affected with MUTYH-related conditions. Experimental studies and prediction algorithms are not available or were not evaluated, and the functional significance of this variant is currently unknown. In summary, the available evidence is currently insufficient to determine the role of this variant in disease. Therefore, it has been classified as a Variant of Uncertain Significance.

NC_000001.10:g.(?_45794978)_(45798641_?)dup

Gene: MUTYH (mutY DNA glycosylase; minus strand). Cytogenetic location: 1p34.1.
Variant type: Duplication.
Identifiers: ClinVar variation 1471610 (VCV001471610.4).